The following is an entry in ClinVar:

NM_003245.4(TGM3):c.487A>C (p.Ile163Leu)

Gene: TGM3 (transglutaminase 3; plus strand). Cytogenetic location: 20p13.
Variant type: single nucleotide variant.
Coding change: c.487A>C on transcript NM_003245.4 (MANE Select); coding-DNA position 487, A replaced by C.
Protein change: p.Ile163Leu; replaces isoleucine 163 with leucine.
Molecular consequence: missense variant.
Genome position (GRCh38, 1-based): chr20:2,311,076, A>C. VCF-style: chr20-2311076-A-C. GRCh37 (hg19) VCF-style: chr20-2291722-A-C.
Other names: short protein forms I163L.
Identifiers: ClinVar variation 3060634 (VCV003060634.2), dbSNP rs6048066, ClinGen allele CA9730827.

ClinVar aggregate classification (germline): Benign (0 of 4 stars; one submission).

Conditions:
TGM3-related disorder. Also called: TGM3-related condition.

Allele frequency attached by ClinVar (database versions not stated): gnomAD 0.10587; ESP Exome Variant Server 0.11641; 1000 Genomes Project 0.12081; TOPMed 0.12097; 1000 Genomes Project 30x 0.12617.
gnomAD v4.1: 31,891 of 1,614,048 alleles (2%); highest among the groups gnomAD compares: African/African-American, 37%; 5,324 homozygotes.

Submission:

PreventionGenetics, part of Exact Sciences
Classification: Benign for TGM3-related condition. Last evaluated: 2019-11-25. Review status: no assertion criteria provided. Collection method: clinical testing. Allele origin: germline.
Comment: This variant is classified as benign based on ACMG/AMP sequence variant interpretation guidelines (Richards et al. 2015 PMID: 25741868, with internal and published modifications).